The following is an entry in ClinVar:

NC_000001.10:g.(?_198608399)_(198725310_?)dup

Gene: PTPRC (protein tyrosine phosphatase receptor type C; plus strand). Cytogenetic location: 1q31.3-32.1.
Variant type: Duplication.
Identifiers: ClinVar variation 1400089 (VCV001400089.6).

ClinVar aggregate classification (germline): Uncertain significance (1 of 4 stars; one submission).

Conditions:
Immunodeficiency 104. Also called: SCID, AUTOSOMAL RECESSIVE, T CELL-NEGATIVE, B CELL-POSITIVE, NK CELL-POSITIVE; Severe combined immunodeficiency, autosomal recessive, T cell-negative, B cell-positive, NK cell-positive; IMMUNODEFICIENCY 104, SEVERE COMBINED; Severe Combined Immune Deficiency, Autosomal Recessive, TCell -Negative, B Cell-Positive, NK Cell-Positive, IL7R-Related. Identifiers: MedGen C5676890, MONDO:0012163, OMIM 608971.

Submission:

Labcorp Genetics (formerly Invitae), Labcorp
Classification: Uncertain significance for Immunodeficiency 104. Last evaluated: 2021-03-25. Review status: criteria provided, single submitter. Criteria: Invitae Variant Classification Sherloc (09022015). Collection method: clinical testing. Allele origin: germline.
Comment: This variant has not been reported in the literature in individuals with PTPRC-related conditions. In summary, the available evidence is currently insufficient to determine the role of this variant in disease. Therefore, it has been classified as a Variant of Uncertain Significance. Experimental studies and prediction algorithms are not available or were not evaluated, and the functional significance of this variant is currently unknown. A copy number gain of the genomic region encompassing the full coding sequence of the PTPRC gene has been identified. The boundaries of this event are unknown as they extend beyond the assayed region for this gene and therefore may encompass additional genes. As the precise location of this event is unknown, it may be in tandem or it may be located elsewhere in the genome.